The following is an entry in ClinVar:

ClinVar aggregate classification (germline): Uncertain significance (1 of 4 stars; one submission).

Submission:

GeneDx
Classification: Uncertain significance. Last evaluated: 2025-04-04. Review status: criteria provided, single submitter. Criteria: GeneDx Variant Classification Process June 2021. Collection method: clinical testing. Allele origin: germline. Affected: yes.
Comment: In silico analysis supports that this missense variant has a deleterious effect on protein structure/function; Has not been previously published as pathogenic or benign to our knowledge

NM_002615.7(SERPINF1):c.1238T>C (p.Leu413Pro)

Gene: SERPINF1 (serpin family F member 1; plus strand). Cytogenetic location: 17p13.3.
Variant type: single nucleotide variant.
Coding change: c.1238T>C on transcript NM_002615.7 (MANE Select); coding-DNA position 1238, T replaced by C.
Protein change: p.Leu413Pro; replaces leucine 413 with proline.
Molecular consequence: missense variant.
Genome position (GRCh38, 1-based): chr17:1,777,427, T>C. VCF-style: chr17-1777427-T-C. GRCh37 (hg19) VCF-style: chr17-1680721-T-C.
Other names: c.1238T>C, p.Leu413Pro (NM_001329903.2); c.677T>C, p.Leu226Pro (NM_001329904.2, NM_001329905.2); short protein forms L226P, L413P.
Identifiers: ClinVar variation 4278518 (VCV004278518.1).
Genomic context (GRCh38, chr17:1,777,427, plus strand): 5'-CTTTCATCTTCGTACTGAGGGACACAGACACAGGGGCCCTTCTCTTCATTGGCAAGATTC[T>C]GGACCCCAGGGGCCCCTAATATCCCAGTTTAATATTCCAATACCCTAGAAGAAAACCCGA-3'
Protein context (NP_002606.3, residues 403-418): TGALLFIGKI[Leu413Pro]DPRGP